The following is an entry in ClinVar:

ClinVar aggregate classification (germline): Uncertain significance (1 of 4 stars; one submission).

Conditions:
Hereditary cancer-predisposing syndrome. Also called: Neoplastic Syndromes, Hereditary; Tumor predisposition; Hereditary Cancer Syndrome; Hereditary neoplastic syndrome. Identifiers: Orphanet 140162, MedGen C0027672, MeSH D009386, MONDO:0015356.

Submission:

Ambry Genetics
Classification: Uncertain significance for Hereditary cancer-predisposing syndrome. Last evaluated: 2024-11-21. Review status: criteria provided, single submitter. Criteria: Ambry Variant Classification Scheme 2023. Collection method: clinical testing. Allele origin: germline.
Comment: The p.G143A variant (also known as c.428G>C), located in coding exon 3 of the POLD1 gene, results from a G to C substitution at nucleotide position 428. The glycine at codon 143 is replaced by alanine, an amino acid with similar properties. This amino acid position is conserved. In addition, the in silico prediction for this alteration is inconclusive. Based on the available evidence, the clinical significance of this variant remains unclear.

NM_002691.4(POLD1):c.428G>C (p.Gly143Ala)

Gene: POLD1 (DNA polymerase delta 1, catalytic subunit; plus strand). Cytogenetic location: 19q13.33.
Variant type: single nucleotide variant.
Coding change: c.428G>C on transcript NM_002691.4 (MANE Select); coding-DNA position 428, G replaced by C.
Protein change: p.Gly143Ala; replaces glycine 143 with alanine.
Molecular consequence: missense variant. On other transcripts: non-coding transcript variant (1).
Genome position (GRCh38, 1-based): chr19:50,401,889, G>C. VCF-style: chr19-50401889-G-C. GRCh37 (hg19) VCF-style: chr19-50905146-G-C.
Other names: c.428G>C, p.Gly143Ala (NM_001256849.1, NM_001308632.1); short protein forms G143A.
Identifiers: ClinVar variation 3422012 (VCV003422012.1).